The following is an entry in ClinVar:

ClinVar aggregate classification (germline): Pathogenic (1 of 4 stars; one submission).

Submission:

GeneDx
Classification: Pathogenic. Last evaluated: 2022-04-06. Review status: criteria provided, single submitter. Criteria: GeneDx Variant Classification Process June 2021. Collection method: clinical testing. Allele origin: germline. Affected: yes.
Comment: Frameshift variant predicted to result in protein truncation or nonsense mediated decay in a gene for which loss of function is a known mechanism of disease; Not observed at significant frequency in large population cohorts (gnomAD); Has not been previously published as pathogenic or benign to our knowledge

NM_014795.4(ZEB2):c.2037del (p.Ile679fs)

Gene: ZEB2 (zinc finger E-box binding homeobox 2; minus strand). Cytogenetic location: 2q22.3.
Variant type: Deletion.
Coding change: c.2037del on transcript NM_014795.4 (MANE Select); coding-DNA position 2037, one base deleted (T; older notation c.2037delT).
Protein change: p.Ile679fs; shifts the reading frame from isoleucine 679.
Molecular consequence: frameshift variant.
Genome position (GRCh38, 1-based): chr2:144,399,150, A deleted on the plus strand (T on the coding strand, the reverse complement: ZEB2 is on the minus strand); the first of 2 consecutive A bases (chr2:144,399,150-144,399,151); deleting either gives the same sequence. VCF-style (leftmost placement, unchanged base first): chr2-144399149-CA-C. GRCh37 (hg19) VCF-style: chr2-145156716-CA-C.
Other names: c.1965del, p.Ile655fs (NM_001171653.2); short protein forms I655fs, I679fs.
Identifiers: ClinVar variation 1708695 (VCV001708695.2), dbSNP rs2549106234, ClinGen allele CA2580063860.